The following is an entry in ClinVar:

NM_001170629.2(CHD8):c.2641T>C (p.Trp881Arg)

Gene: CHD8 (chromodomain helicase DNA binding protein 8; minus strand). Cytogenetic location: 14q11.2.
Variant type: single nucleotide variant.
Coding change: c.2641T>C on transcript NM_001170629.2 (MANE Select); coding-DNA position 2641, T replaced by C.
Protein change: p.Trp881Arg; replaces tryptophan 881 with arginine.
Molecular consequence: missense variant.
Genome position (GRCh38, 1-based): chr14:21,408,401, A>G on the plus strand (T>C on the coding strand, the complement: CHD8 is on the minus strand). VCF-style: chr14-21408401-A-G. GRCh37 (hg19) VCF-style: chr14-21876560-A-G.
Other names: c.1804T>C, p.Trp602Arg (NM_020920.4); short protein forms W602R, W881R.
Identifiers: ClinVar variation 2700755 (VCV002700755.3), dbSNP rs2501923440, ClinGen allele CA388875062.

ClinVar aggregate classification (germline): Uncertain significance (1 of 4 stars; one submission).

Submission:

Labcorp Genetics (formerly Invitae), Labcorp
Classification: Uncertain significance. Last evaluated: 2023-10-03. Review status: criteria provided, single submitter. Criteria: Invitae Variant Classification Sherloc (09022015). Collection method: clinical testing. Allele origin: germline.
Comment: This sequence change replaces tryptophan, which is neutral and slightly polar, with arginine, which is basic and polar, at codon 881 of the CHD8 protein (p.Trp881Arg). This variant is not present in population databases (gnomAD no frequency). This variant has not been reported in the literature in individuals affected with CHD8-related conditions. Advanced modeling of protein sequence and biophysical properties (such as structural, functional, and spatial information, amino acid conservation, physicochemical variation, residue mobility, and thermodynamic stability) performed at Invitae indicates that this missense variant is expected to disrupt CHD8 protein function. In summary, the available evidence is currently insufficient to determine the role of this variant in disease. Therefore, it has been classified as a Variant of Uncertain Significance.